The following is an entry in ClinVar:

NM_000061.3(BTK):c.1610T>C (p.Val537Ala)

Gene: BTK (Bruton tyrosine kinase; minus strand). Cytogenetic location: Xq22.1.
Variant type: single nucleotide variant.
Coding change: c.1610T>C on transcript NM_000061.3 (MANE Select); coding-DNA position 1610, T replaced by C.
Protein change: p.Val537Ala; replaces valine 537 with alanine.
Molecular consequence: missense variant.
Genome position (GRCh38, 1-based): chrX:101,354,651, A>G on the plus strand (T>C on the coding strand, the complement: BTK is on the minus strand). VCF-style: chrX-101354651-A-G. GRCh37 (hg19) VCF-style: chrX-100609639-A-G.
Other names: c.1712T>C, p.Val571Ala (NM_001287344.2); c.1082T>C, p.Val361Ala (NM_001287345.2); short protein forms V537A, V571A, V361A.
Identifiers: ClinVar variation 2693229 (VCV002693229.3), dbSNP rs2520540629, ClinGen allele CA413922023.

ClinVar aggregate classification (germline): Uncertain significance (1 of 4 stars; one submission).

Conditions:
X-linked agammaglobulinemia with growth hormone deficiency (IGHD3). Also called: AGAMMAGLOBULINEMIA AND ISOLATED GROWTH HORMONE DEFICIENCY, X-LINKED; ISOLATED GROWTH HORMONE DEFICIENCY, TYPE III, WITH AGAMMAGLOBULINEMIA; HYPOGAMMAGLOBULINEMIA AND ISOLATED GROWTH HORMONE DEFICIENCY, X-LINKED; IGHD III; FLEISHER SYNDROME; Isolated growth hormone deficiency type 3. Identifiers: Orphanet 231692, Orphanet 631, MedGen C0472813, MONDO:0010615, OMIM 307200.

Submission:

Labcorp Genetics (formerly Invitae), Labcorp
Classification: Uncertain significance for X-linked agammaglobulinemia with growth hormone deficiency. Last evaluated: 2023-11-04. Review status: criteria provided, single submitter. Criteria: Invitae Variant Classification Sherloc (09022015). Collection method: clinical testing. Allele origin: germline.
Comment: This sequence change replaces valine, which is neutral and non-polar, with alanine, which is neutral and non-polar, at codon 537 of the BTK protein (p.Val537Ala). This variant is not present in population databases (gnomAD no frequency). This variant has not been reported in the literature in individuals affected with BTK-related conditions. Advanced modeling of protein sequence and biophysical properties (such as structural, functional, and spatial information, amino acid conservation, physicochemical variation, residue mobility, and thermodynamic stability) performed at Invitae indicates that this missense variant is expected to disrupt BTK protein function with a positive predictive value of 80%. In summary, the available evidence is currently insufficient to determine the role of this variant in disease. Therefore, it has been classified as a Variant of Uncertain Significance.